The following is an entry in ClinVar:

ClinVar aggregate classification (germline): Conflicting classifications of pathogenicity. Review status: criteria provided, conflicting classifications (1 of 4 stars). 3 submissions from 3 submitters: Uncertain significance (2); Likely benign (1). Last evaluated 2025-11-15.

Conditions:
Inborn genetic diseases. Identifiers: MedGen C0950123, MeSH D030342.
Autosomal recessive limb-girdle muscular dystrophy type 2Q (LGMDR17). Also called: MUSCULAR DYSTROPHY, LIMB-GIRDLE, AUTOSOMAL RECESSIVE 17. Identifiers: Orphanet 254361, MedGen C3150989, MONDO:0013390, OMIM 613723.
Epidermolysis bullosa simplex 5B, with muscular dystrophy (EBS5B). Also called: EPIDERMOLYSIS BULLOSA SIMPLEX AND LIMB-GIRDLE MUSCULAR DYSTROPHY; Epidermolysis bullosa simplex with muscular dystrophy. Identifiers: Orphanet 257, MedGen C2931072, MONDO:0009181, OMIM 226670.
Epidermolysis bullosa simplex, Ogna type (EBS5A). Also called: Pidermolysis bullosa simplex 5A, Ogna type; EPIDERMOLYSIS BULLOSA SIMPLEX 5A, OGNA TYPE. Identifiers: Orphanet 79401, MedGen C0432317, MONDO:0007555, OMIM 131950.
Epidermolysis bullosa simplex 5C, with pyloric atresia (EBS5C). Also called: PLEC-Related Epidermolysis Bullosa with Pyloric Atresia; Epidermolysis bullosa simplex with pyloric atresia; PLEC1-Related Epidermolysis Bullosa with Pyloric Atresia. Identifiers: Orphanet 158684, MedGen C2677349, MONDO:0012807, OMIM 612138.
Epidermolysis bullosa simplex with nail dystrophy (EBS5D). Identifiers: MedGen C4225309, MONDO:0014661, OMIM 616487.

Allele frequency attached by ClinVar (database versions not stated): gnomAD exomes 0.00002 and 0.00008; gnomAD 0.00005 and 0.00006; TOPMed 0.00006.
gnomAD v4.1: 135 of 1,586,646 alleles (0.0085%); highest among the groups gnomAD compares: Non-Finnish European, 0.01%; no homozygotes.

Submissions (3):

Labcorp Genetics (formerly Invitae), Labcorp
Classification: Uncertain significance for Autosomal recessive limb-girdle muscular dystrophy type 2Q; Epidermolysis bullosa simplex, Ogna type; Epidermolysis bullosa simplex with nail dystrophy; Epidermolysis bullosa simplex 5C, with pyloric atresia; Epidermolysis bullosa simplex 5B, with muscular dystrophy. Last evaluated: 2025-11-15. Review status: criteria provided, single submitter. Criteria: Invitae Variant Classification Sherloc (09022015). Collection method: clinical testing. Allele origin: germline.
Comment: This sequence change replaces glutamine, which is neutral and polar, with glutamic acid, which is acidic and polar, at codon 2001 of the PLEC protein (p.Gln2001Glu). This variant is present in population databases (rs782585525, gnomAD 0.007%). This variant has not been reported in the literature in individuals affected with PLEC-related conditions. ClinVar contains an entry for this variant (Variation ID: 1195336). Experimental studies and prediction algorithms are not available or were not evaluated, and the functional significance of this variant is currently unknown. In summary, the available evidence is currently insufficient to determine the role of this variant in disease. Therefore, it has been classified as a Variant of Uncertain Significance.

Ambry Genetics
Classification: Uncertain significance for Inborn genetic diseases. Last evaluated: 2022-10-25. Review status: criteria provided, single submitter. Criteria: Ambry Variant Classification Scheme 2023. Collection method: clinical testing. Allele origin: germline.

GeneDx
Classification: Likely benign. Last evaluated: 2019-01-31. Review status: criteria provided, single submitter. Criteria: GeneDx Variant Classification Process June 2021. Collection method: clinical testing. Allele origin: germline. Affected: yes.

NM_201384.3(PLEC):c.5920C>G (p.Gln1974Glu)

Gene: PLEC (plectin; minus strand). Cytogenetic location: 8q24.3.
Variant type: single nucleotide variant.
Coding change: c.5920C>G on transcript NM_201384.3 (MANE Select); coding-DNA position 5920, C replaced by G.
Protein change: p.Gln1974Glu; replaces glutamine 1974 with glutamic acid.
Molecular consequence: missense variant.
Genome position (GRCh38, 1-based): chr8:143,924,009, G>C on the plus strand (C>G on the coding strand, the complement: PLEC is on the minus strand). VCF-style: chr8-143924009-G-C. GRCh37 (hg19) VCF-style: chr8-144998177-G-C.
Other names: c.6001C>G, p.Gln2001Glu (NM_000445.5); c.5878C>G, p.Gln1960Glu (NM_201378.4); c.5854C>G, p.Gln1952Glu (NM_201379.3); c.6331C>G, p.Gln2111Glu (NM_201380.4); c.5824C>G, p.Gln1942Glu (NM_201381.3); c.5920C>G, p.Gln1974Glu (NM_201382.4); c.5932C>G, p.Gln1978Glu (NM_201383.3); short protein forms Q1942E, Q1952E, Q1960E, Q1974E, Q1978E, Q2001E, Q2111E.
Identifiers: ClinVar variation 1195336 (VCV001195336.11), dbSNP rs782585525, ClinGen allele CA4926193.